The following is an entry in ClinVar:

NM_001384732.1(CPLANE1):c.2581+2T>C

Gene: CPLANE1 (ciliogenesis and planar polarity effector complex subunit 1; minus strand). Cytogenetic location: 5p13.2.
Variant type: single nucleotide variant.
Coding change: c.2581+2T>C on transcript NM_001384732.1 (MANE Select); the canonical splice donor site of the intron after coding-DNA position 2581, T replaced by C.
Molecular consequence: splice donor variant.
Genome position (GRCh38, 1-based): chr5:37,224,251, A>G on the plus strand (T>C on the coding strand, the complement: CPLANE1 is on the minus strand). VCF-style: chr5-37224251-A-G. GRCh37 (hg19) VCF-style: chr5-37224353-A-G.
Other names: c.2581+2T>C (NM_023073.4).
Identifiers: ClinVar variation 4716691 (VCV004716691.1).

ClinVar aggregate classification (germline): Likely pathogenic (1 of 4 stars; one submission).

Submission:

Labcorp Genetics (formerly Invitae), Labcorp
Classification: Likely pathogenic. Last evaluated: 2025-04-03. Review status: criteria provided, single submitter. Criteria: Invitae Variant Classification Sherloc (09022015). Collection method: clinical testing. Allele origin: germline.
Comment: This sequence change affects a donor splice site in intron 14 of the CPLANE1 gene. It is expected to disrupt RNA splicing. Variants that disrupt the donor or acceptor splice site typically lead to a loss of protein function (PMID: 16199547), and loss-of-function variants in CPLANE1 are known to be pathogenic (PMID: 24178751, 26092869). This variant is not present in population databases (gnomAD no frequency). This variant has not been reported in the literature in individuals affected with CPLANE1-related conditions. Algorithms developed to predict the effect of sequence changes on RNA splicing suggest that this variant may disrupt the consensus splice site. In summary, the currently available evidence indicates that the variant is pathogenic, but additional data are needed to prove that conclusively. Therefore, this variant has been classified as Likely Pathogenic.

Literature cited by the submitters: PubMed 16199547; PubMed 24178751; PubMed 26092869.